The following is an entry in ClinVar:

NM_016179.4(TRPC4):c.379-2A>T

Gene: TRPC4 (transient receptor potential cation channel subfamily C member 4; minus strand). Cytogenetic location: 13q13.3.
Variant type: single nucleotide variant.
Coding change: c.379-2A>T on transcript NM_016179.4 (MANE Select); the canonical splice acceptor site of the intron before coding-DNA position 379, A replaced by T.
Molecular consequence: splice acceptor variant. On other transcripts: intron variant (1).
Genome position (GRCh38, 1-based): chr13:37,746,457, T>A on the plus strand (A>T on the coding strand, the complement: TRPC4 is on the minus strand). VCF-style: chr13-37746457-T-A. GRCh37 (hg19) VCF-style: chr13-38320594-T-A.
Other names: c.378+36499A>T (NM_001135958.3); c.-545-2A>T (NM_001354806.2); c.-829-2A>T (NM_001372055.1); c.-871-2A>T (NM_001354799.2); c.379-2A>T (NM_001135956.3, NM_001135957.3, NM_001135955.3 and 1 more transcripts).
Identifiers: ClinVar variation 2571615 (VCV002571615.2), dbSNP rs80164537, ClinGen allele CA387995772.
Genomic context (GRCh38, chr13:37,746,457, plus strand): 5'-ATTGGTGTAATGTCTGGAGTGAATTCAGAGAACTGCTTATCAAGGAGTATAGGAGGCACC[T>A]AAAAAAAAAAAAGGCAGAGGTGATGAATATTTATTCTTTTGTTCAAGTCTGTGAATTTCA-3'

ClinVar aggregate classification (germline): Pathogenic (1 of 4 stars; one submission).

Conditions:
Autism, susceptiblity to. Also called: Austism, susceptibility to. Identifiers: MedGen CN301178, MONDO:0020836.

Allele frequency attached by ClinVar (database versions not stated): gnomAD exomes below 0.00001; gnomAD 0.00001.
gnomAD v4.1: 6 of 1,343,114 alleles (0.00045%); highest among the groups gnomAD compares: Admixed American, 0.0044%; no homozygotes.

Submission:

Qatar Biomedical Research Institute, Hamad Bin Khalifa University
Classification: Pathogenic for Autism, susceptiblity to. Last evaluated: 2023-07-04. Review status: criteria provided, single submitter. Criteria: ACMG Guidelines, 2015. Collection method: research. Allele origin: de novo. Inheritance: Autosomal dominant inheritance. Affected: yes. Observed: 1 heterozygote.
Comment: This variant was not found in large sequencing databases and with 6.8e-05 % frequency in Qatar population database. ACMG interpretation as PVS1, PS2, PS4, PM2, PP3 indicated it as pathogenic variant. In summary, the c.379-2A>T splicing variant in TRPC4 meets our criteria to be classified as pathogenic due to being de novo, absence from controls, and ACMG interpretation.